The following is an entry in ClinVar:

ClinVar aggregate classification (germline): Benign (1 of 4 stars; one submission).

Submission:

Unidad de Genómica Garrahan, Hospital de Pediatría Garrahan
Classification: Benign. Last evaluated: 2023-11-12. Review status: criteria provided, single submitter. Criteria: ACMG Guidelines, 2015. Collection method: clinical testing. Allele origin: germline. Affected: no. Observed: 64 variant alleles.
Comment: This variant is classified as Benign based on local population frequency. This variant was detected in 67% of patients studied by a panel of primary immunodeficiencies. Number of patients: 64. Only high quality variants are reported.

NM_001374259.2(IL12RB2):c.808-73dup

Gene: IL12RB2 (interleukin 12 receptor subunit beta 2; plus strand). Cytogenetic location: 1p31.3.
Variant type: Duplication.
Coding change: c.808-73dup on transcript NM_001374259.2 (MANE Select); 73 bases into the intron before coding-DNA position 808, one base duplicated (T; older notation c.808-73dupT).
Molecular consequence: intron variant.
Genome position (GRCh38, 1-based): chr1:67,330,587, T duplicated; the last of 12 consecutive T bases (chr1:67,330,576-67,330,587); duplicating any one gives the same sequence. VCF-style (leftmost placement, unchanged base first): chr1-67330575-G-GT. GRCh37 (hg19) VCF-style: chr1-67796258-G-GT.
Other names: c.808-73dup (NM_001319233.1, NM_001258216.1, NM_001258215.1 and 2 more transcripts).
Identifiers: ClinVar variation 2628136 (VCV002628136.2), dbSNP rs11463498, ClinGen allele CA23503381.